The following is an entry in ClinVar:

ClinVar aggregate classification (germline): Pathogenic/Likely pathogenic. Review status: criteria provided, multiple submitters, no conflicts (2 of 4 stars). 3 submissions from 3 submitters: Pathogenic (2); Likely pathogenic (1). Last evaluated 2023-09-01.

Conditions:
Wolfram syndrome 1 (WFS1). Identifiers: Orphanet 3463, MedGen C4551693, MONDO:0009101, OMIM 222300.

Allele frequency attached by ClinVar (database versions not stated): ExAC 0.00002.
gnomAD v4.1: 1 of 1,612,730 alleles (0.000062%); highest among the groups gnomAD compares: Admixed American, 0.0017%; no homozygotes.

Submissions (3):

Labcorp Genetics (formerly Invitae), Labcorp
Classification: Pathogenic. Last evaluated: 2023-09-01. Review status: criteria provided, single submitter. Criteria: Invitae Variant Classification Sherloc (09022015). Collection method: clinical testing. Allele origin: germline.
Comment: This variant disrupts a region of the WFS1 protein in which other variant(s) (p.Glu752*) have been determined to be pathogenic (PMID: 15277431, 23981289). This suggests that this is a clinically significant region of the protein, and that variants that disrupt it are likely to be disease-causing. For these reasons, this variant has been classified as Pathogenic. ClinVar contains an entry for this variant (Variation ID: 432114). This premature translational stop signal has been observed in individual(s) with autosomal recessive Wolfram syndrome (Invitae). This variant is present in population databases (rs760171298, gnomAD 0.003%). This sequence change creates a premature translational stop signal (p.Trp730*) in the WFS1 gene. While this is not anticipated to result in nonsense mediated decay, it is expected to disrupt the last 161 amino acid(s) of the WFS1 protein.

GeneDx
Classification: Likely pathogenic. Last evaluated: 2022-11-09. Review status: criteria provided, single submitter. Criteria: GeneDx Variant Classification Process June 2021. Collection method: clinical testing. Allele origin: germline. Affected: yes.
Comment: Nonsense variant predicted to result in protein truncation or nonsense mediated decay in a gene for which loss of function is a known mechanism of disease; Not observed at significant frequency in large population cohorts (gnomAD); Has not been previously published as pathogenic or benign to our knowledge; This variant is associated with the following publications: (PMID: 23981289, 15277431)

Clinical Genomics, Uppaluri K&H Personalized Medicine Clinic
Classification: Pathogenic for Wolfram syndrome 1. Review status: criteria provided, single submitter. Criteria: K & H Uppaluri Personalized Medicine Clinic Variant Classification & Assertion Criteria_Updated V.1. Collection method: research. Allele origin: unknown. Inheritance: Autosomal recessive inheritance.
Comment: Potent mutations in WFS1 gene are associated with Wolfram's syndrome, an autosomal recessive condition, which cause diabetes mellitus, diabetes insipidus, deafness and optic atrophy. However no sufficient evidence is found to ascertain the role of this particular variant rs760171298 in Wolfram's syndrome yet.

Literature cited by the submitters: PubMed 15277431 (cited by Labcorp Genetics (formerly Invitae), Labcorp); PubMed 23981289 (cited by Labcorp Genetics (formerly Invitae), Labcorp); PubMed 20738327 (cited by Clinical Genomics, Uppaluri K&H Personalized Medicine Clinic); PubMed 33879153 (cited by Clinical Genomics, Uppaluri K&H Personalized Medicine Clinic); PubMed 12955714 (cited by Clinical Genomics, Uppaluri K&H Personalized Medicine Clinic); PubMed 18060660 (cited by Clinical Genomics, Uppaluri K&H Personalized Medicine Clinic); PubMed 20301750 (cited by Clinical Genomics, Uppaluri K&H Personalized Medicine Clinic); PubMed 17603484 (cited by Clinical Genomics, Uppaluri K&H Personalized Medicine Clinic).

NM_006005.3(WFS1):c.2189G>A (p.Trp730Ter)

Gene: WFS1 (wolframin ER transmembrane glycoprotein; plus strand). Cytogenetic location: 4p16.1.
Variant type: single nucleotide variant.
Coding change: c.2189G>A on transcript NM_006005.3 (MANE Select); coding-DNA position 2189, G replaced by A.
Protein change: p.Trp730Ter; replaces tryptophan 730 with a stop codon.
Molecular consequence: nonsense.
Genome position (GRCh38, 1-based): chr4:6,301,984, G>A. VCF-style: chr4-6301984-G-A. GRCh37 (hg19) VCF-style: chr4-6303711-G-A.
Other names: c.2189G>A, p.Trp730Ter (NM_001145853.1); short protein forms W730*.
Identifiers: ClinVar variation 432114 (VCV000432114.10), dbSNP rs760171298, ClinGen allele CA2839638.
Genomic context (GRCh38, chr4:6,301,984, plus strand): 5'-CTGACATCGACAACAGCGCCGAGTCTGCCATCAACATGCTCCCGTTCTTCATCGGCGACT[G>A]GATGCGCTGCCTCTACGGCGAGGCCTACCCTGCCTGCAGCCCTGGCAACACCTCCACGGC-3'